The following is an entry in ClinVar:

NC_000009.11:g.(?_140705893)_(141016451_?)dup

Genes: CACNA1B (calcium voltage-gated channel subunit alpha1 B; plus strand), EHMT1 (euchromatic histone lysine methyltransferase 1; plus strand). Cytogenetic location: 9q34.3.
Variant type: Duplication.
Identifiers: ClinVar variation 3245174 (VCV003245174.1).

ClinVar aggregate classification (germline): Uncertain significance (1 of 4 stars; one submission).

Conditions:
Kleefstra syndrome 1 (KLEFS1). Identifiers: Orphanet 261494, MedGen C0795833, MONDO:0027407, OMIM 610253.

Submission:

Labcorp Genetics (formerly Invitae), Labcorp
Classification: Uncertain significance for Kleefstra syndrome 1. Last evaluated: 2023-08-16. Review status: criteria provided, single submitter. Criteria: Invitae Variant Classification Sherloc (09022015). Collection method: clinical testing. Allele origin: unknown.
Comment: This variant results in a copy number gain of the genomic region encompassing exon(s) 19-27 of the EHMT1 gene. This region includes the termination codon of the gene. This copy number gain extends beyond the assayed region for this gene and therefore may encompass additional genes. As the precise location of this event is unknown, it may be in tandem or it may be located elsewhere in the genome. This variant has not been reported in the literature in individuals affected with EHMT1-related conditions. In summary, the available evidence is currently insufficient to determine the role of this variant in disease. Therefore, it has been classified as a Variant of Uncertain Significance.